The following is an entry in ClinVar:

NM_022367.4(SEMA4A):c.1796C>T (p.Pro599Leu)

Gene: SEMA4A (semaphorin 4A; plus strand). Cytogenetic location: 1q22.
Variant type: single nucleotide variant.
Coding change: c.1796C>T on transcript NM_022367.4 (MANE Select); coding-DNA position 1796, C replaced by T.
Protein change: p.Pro599Leu; replaces proline 599 with leucine.
Molecular consequence: missense variant.
Genome position (GRCh38, 1-based): chr1:156,176,507, C>T. VCF-style: chr1-156176507-C-T. GRCh37 (hg19) VCF-style: chr1-156146298-C-T.
Other names: c.1796C>T, p.Pro599Leu (NM_001193300.2, NM_001193301.2, NM_001370567.1); c.1400C>T, p.Pro467Leu (NM_001193302.2); c.1499C>T, p.Pro500Leu (NM_001370568.1); c.1289C>T, p.Pro430Leu (NM_001370569.1, NM_001370571.1); c.1796C>T (NM_022367.3); short protein forms P430L, P467L, P500L, P599L.
Identifiers: ClinVar variation 1018237 (VCV001018237.9), dbSNP rs1655349175, ClinGen allele CA342811742.

ClinVar aggregate classification (germline): Uncertain significance. Review status: criteria provided, multiple submitters, no conflicts (2 of 4 stars). 2 submissions from 2 submitters: Uncertain significance (2). Last evaluated 2025-10-23.

Allele frequency attached by ClinVar (database versions not stated): TOPMed below 0.00001; gnomAD 0.00001; gnomAD exomes 0.00001.
gnomAD v4.1: 15 of 1,614,030 alleles (0.00093%); highest among the groups gnomAD compares: Non-Finnish European, 0.0013%; no homozygotes.

Submissions (2):

Ambry Genetics
Classification: Uncertain significance. Last evaluated: 2025-10-23. Review status: criteria provided, single submitter. Criteria: Ambry Variant Classification Scheme 2023. Collection method: clinical testing. Allele origin: germline.

Labcorp Genetics (formerly Invitae), Labcorp
Classification: Uncertain significance. Last evaluated: 2022-07-12. Review status: criteria provided, single submitter. Criteria: Invitae Variant Classification Sherloc (09022015). Collection method: clinical testing. Allele origin: germline.
Comment: ClinVar contains an entry for this variant (Variation ID: 1018237). This sequence change replaces proline, which is neutral and non-polar, with leucine, which is neutral and non-polar, at codon 599 of the SEMA4A protein (p.Pro599Leu). This variant is not present in population databases (gnomAD no frequency). This variant has not been reported in the literature in individuals affected with SEMA4A-related conditions. Algorithms developed to predict the effect of missense changes on protein structure and function are either unavailable or do not agree on the potential impact of this missense change (SIFT: "Deleterious"; PolyPhen-2: "Benign"; Align-GVGD: "Class C0"). In summary, the available evidence is currently insufficient to determine the role of this variant in disease. Therefore, it has been classified as a Variant of Uncertain Significance.